The following is an entry in ClinVar:

NM_014476.6(PDLIM3):c.751G>A (p.Gly251Ser)

Gene: PDLIM3 (PDZ and LIM domain 3; minus strand). Cytogenetic location: 4q35.1.
Variant type: single nucleotide variant.
Coding change: c.751G>A on transcript NM_014476.6 (MANE Select); coding-DNA position 751, G replaced by A.
Protein change: p.Gly251Ser; replaces glycine 251 with serine.
Molecular consequence: missense variant. On other transcripts: non-coding transcript variant (1).
Genome position (GRCh38, 1-based): chr4:185,506,564, C>T on the plus strand (G>A on the coding strand, the complement: PDLIM3 is on the minus strand). VCF-style: chr4-185506564-C-T. GRCh37 (hg19) VCF-style: chr4-186427718-C-T.
Other names: c.607G>A, p.Gly203Ser (NM_001114107.5); c.487G>A, p.Gly163Ser (NM_001257962.2); c.250G>A, p.Gly84Ser (NM_001257963.2); short protein forms G163S, G203S, G251S, G84S.
Identifiers: ClinVar variation 3753380 (VCV003753380.2).

ClinVar aggregate classification (germline): Uncertain significance (1 of 4 stars; one submission).

Conditions:
Primary dilated cardiomyopathy (DCM). Also called: Dilated Cardiomyopathy. Identifiers: Orphanet 217604, MedGen C0007193, MeSH D002311, MONDO:0005021, HP:0001644. Inheritance: Various modes of inheritance.
Hypertrophic cardiomyopathy. Also called: HYPERTROPHIC MYOCARDIOPATHY. Identifiers: Orphanet 217569, MedGen C0007194, MeSH D002312, MONDO:0005045, HP:0001639.

gnomAD v4.1: 3 of 1,613,536 alleles (0.00019%); highest among the groups gnomAD compares: Non-Finnish European, 0.00017%; no homozygotes.

Submission:

Labcorp Genetics (formerly Invitae), Labcorp
Classification: Uncertain significance for Hypertrophic cardiomyopathy; Primary dilated cardiomyopathy. Last evaluated: 2024-12-28. Review status: criteria provided, single submitter. Criteria: Invitae Variant Classification Sherloc (09022015). Collection method: clinical testing. Allele origin: germline.
Comment: This sequence change replaces glycine, which is neutral and non-polar, with serine, which is neutral and polar, at codon 251 of the PDLIM3 protein (p.Gly251Ser). This variant is present in population databases (no rsID available, gnomAD 0.0009%). This variant has not been reported in the literature in individuals affected with PDLIM3-related conditions. Invitae Evidence Modeling of protein sequence and biophysical properties (such as structural, functional, and spatial information, amino acid conservation, physicochemical variation, residue mobility, and thermodynamic stability) indicates that this missense variant is not expected to disrupt PDLIM3 protein function with a negative predictive value of 80%. In summary, the available evidence is currently insufficient to determine the role of this variant in disease. Therefore, it has been classified as a Variant of Uncertain Significance.